The following is an entry in ClinVar:

ClinVar aggregate classification (germline): Likely benign. Review status: criteria provided, multiple submitters, no conflicts (2 of 4 stars). 3 submissions from 3 submitters: Likely benign (3). Last evaluated 2026-04-30.

Conditions:
TTN-related disorder. Also called: TTN-related condition; TTN-related disease; TTN-related disorders.
Autosomal recessive limb-girdle muscular dystrophy type 2J (LGMDR10). Also called: Limb-girdle muscular dystrophy, type 2J; MUSCULAR DYSTROPHY, LIMB-GIRDLE, AUTOSOMAL RECESSIVE 10. Identifiers: Orphanet 140922, MedGen C1837342, MONDO:0012127, OMIM 608807.
Dilated cardiomyopathy 1G (CMD1G). Identifiers: Orphanet 154, MedGen C1858763, MONDO:0011400, OMIM 604145.

Allele frequency attached by ClinVar (database versions not stated): gnomAD 0.00003; TOPMed 0.00010; ExAC 0.00001; gnomAD exomes 0.00001.

Submissions (3):

PreventionGenetics, part of Exact Sciences
Classification: Likely benign for TTN-related condition. Last evaluated: 2026-04-30. Review status: criteria provided, single submitter. Criteria: ACMG Guidelines, 2015. Collection method: clinical testing. Allele origin: germline.
Comment: This variant is classified as likely benign based on ACMG/AMP sequence variant interpretation guidelines (Richards et al. 2015 PMID: 25741868, with internal and published modifications).

Labcorp Genetics (formerly Invitae), Labcorp
Classification: Likely benign for Dilated cardiomyopathy 1G; Autosomal recessive limb-girdle muscular dystrophy type 2J. Last evaluated: 2025-12-20. Review status: criteria provided, single submitter. Criteria: Invitae Variant Classification Sherloc (09022015). Collection method: clinical testing. Allele origin: germline.

Athena Diagnostics
Classification: Likely benign. Last evaluated: 2021-05-20. Review status: criteria provided, single submitter. Criteria: Athena Diagnostics criteria. Collection method: clinical testing. Allele origin: unknown.

NM_001267550.2(TTN):c.27186T>G (p.Gly9062=)

Gene: TTN (titin; minus strand). Cytogenetic location: 2q31.2.
Variant type: single nucleotide variant.
Coding change: c.27186T>G on transcript NM_001267550.2 (MANE Select); coding-DNA position 27186, T replaced by G.
Protein change: p.Gly9062=; no amino-acid change (glycine 9062 retained).
Molecular consequence: synonymous variant. On other transcripts: intron variant (3).
Genome position (GRCh38, 1-based): chr2:178,712,839, A>C on the plus strand (T>G on the coding strand, the complement: TTN is on the minus strand). VCF-style: chr2-178712839-A-C. GRCh37 (hg19) VCF-style: chr2-179577566-A-C.
Other names: c.27186T>G (NM_001267550.1); c.26235T>G, p.Gly8745= (NM_001256850.1); c.23454T>G, p.Gly7818= (NM_133378.4); c.13282+25243T>G (NM_003319.4); c.13858+25243T>G (NM_133437.4); c.13657+25243T>G (NM_133432.3).
Identifiers: ClinVar variation 699183 (VCV000699183.12), dbSNP rs745874179, ClinGen allele CA1999853.
Genomic context (GRCh38, chr2:178,712,839, plus strand): 5'-ATCTACATCGAACAACTCCAGTTCAGCAACTGAATCCTCCAAAGACACGTTGCATCTGTC[A>C]CCTGGTACTAGTTCACTGCTACCTTTGAACCAGCTAACACTGAAAGGAGGTGTTCCTTTT-3'
Protein context (NP_001254479.2, residues 9052-9072): WFKGSSELVP[Gly9062=]DRCNVSLEDS